The following is an entry in ClinVar:

NM_000038.6(APC):c.5803C>T (p.Gln1935Ter)

Gene: APC (APC regulator of Wnt signaling pathway; plus strand). Cytogenetic location: 5q22.2.
Variant type: single nucleotide variant.
Coding change: c.5803C>T on transcript NM_000038.6 (MANE Select); coding-DNA position 5803, C replaced by T.
Protein change: p.Gln1935Ter; replaces glutamine 1935 with a stop codon.
Molecular consequence: nonsense.
Genome position (GRCh38, 1-based): chr5:112,841,397, C>T. VCF-style: chr5-112841397-C-T. GRCh37 (hg19) VCF-style: chr5-112177094-C-T.
Other names: c.5803C>T, p.Gln1935Ter (NM_001127510.3, NM_001354895.2, NM_001407450.1); c.5749C>T, p.Gln1917Ter (NM_001127511.3); c.5857C>T, p.Gln1953Ter (NM_001354896.2, NM_001407447.1, NM_001407448.1 and 1 more transcripts); c.5833C>T, p.Gln1945Ter (NM_001354897.2); c.5728C>T, p.Gln1910Ter (NM_001354898.2); c.5719C>T, p.Gln1907Ter (NM_001354899.2); c.5680C>T, p.Gln1894Ter (NM_001354900.2); c.5626C>T, p.Gln1876Ter (NM_001354901.2, NM_001407453.1); and 11 more; short protein forms Q1775*, Q1809*, Q1894*, Q1907*, Q1963*, Q1834*, Q1844*, Q1852*.
Identifiers: ClinVar variation 1749795 (VCV001749795.3), dbSNP rs2149949620, ClinGen allele CA16034026.

ClinVar aggregate classification (germline): Pathogenic (1 of 4 stars; one submission).

Conditions:
Hereditary cancer-predisposing syndrome. Also called: Hereditary Cancer Syndrome; Hereditary neoplastic syndrome; Neoplastic Syndromes, Hereditary; Tumor predisposition. Identifiers: Orphanet 140162, MedGen C0027672, MeSH D009386, MONDO:0015356.

Submission:

Ambry Genetics
Classification: Pathogenic for Hereditary cancer-predisposing syndrome. Last evaluated: 2024-08-22. Review status: criteria provided, single submitter. Criteria: Ambry Variant Classification Scheme 2023. Collection method: clinical testing. Allele origin: germline.
Comment: The p.Q1935* pathogenic mutation (also known as c.5803C>T), located in coding exon 15 of the APC gene, results from a C to T substitution at nucleotide position 5803. This changes the amino acid from a glutamine to a stop codon within coding exon 15. This alteration occurs at the 3' terminus of theAPC gene, is not expected to trigger nonsense-mediated mRNA decay, and impacts the last 32% of the protein. However, premature stop codons are typically deleterious in nature and a significant portion of the protein is affected (Ambry internal data). This variant is considered to be rare based on population cohorts in the Genome Aggregation Database (gnomAD). Based on the supporting evidence, this variant is interpreted as a disease-causing mutation.